The following is an entry in ClinVar:

NM_000419.5(ITGA2B):c.2449-1G>C

Gene: ITGA2B (integrin subunit alpha 2b; minus strand). Cytogenetic location: 17q21.31.
Variant type: single nucleotide variant.
Coding change: c.2449-1G>C on transcript NM_000419.5 (MANE Select); the canonical splice acceptor site of the intron before coding-DNA position 2449, G replaced by C.
Molecular consequence: splice acceptor variant.
Genome position (GRCh38, 1-based): chr17:44,375,986, C>G on the plus strand (G>C on the coding strand, the complement: ITGA2B is on the minus strand). VCF-style: chr17-44375986-C-G. GRCh37 (hg19) VCF-style: chr17-42453354-C-G.
Other names: NM_000419.5:c.2449-1G>C.
Identifiers: ClinVar variation 2506406 (VCV002506406.1), dbSNP rs2510074785, ClinGen allele CA399795582.

ClinVar aggregate classification (germline): Pathogenic (3 of 4 stars; one submission).

Conditions:
Glanzmann thrombasthenia. Also called: BLEEDING DISORDER, PLATELET-TYPE, 2; THROMBASTHENIA OF GLANZMANN AND NAEGELI; PLATELET GLYCOPROTEIN IIb-IIIa DEFICIENCY; Glanzmann's thrombasthenia; Thrombasthenia. Identifiers: Orphanet 849, MedGen C0040015, MONDO:0100326.

Submission:

ClinGen Platelet Disorders Variant Curation Expert Panel, ClinGen
Classification: Pathogenic for Glanzmann thrombasthenia. Last evaluated: 2023-05-16. Review status: reviewed by expert panel. Criteria: ClinGen Platelet ACMG Specifications v2-1. Collection method: curation. Allele origin: germline. Inheritance: Autosomal recessive inheritance.
Comment: The NM_000419.5(ITGA2B):c.2449-1G>C variant disrupts of a splice acceptor site which is predicted to cause an in frame deletion of exon 25 (4.9% of the protein), however cDNA studies in the patient harboring this variant (PMID 15293575) found a 21-amino acid deletion (Leu817_Gln837) due to abnormal splicing in exon 25, indicating that this variant results in the use of a cryptic splice site in exon 25 which leads to a deletion of 21 amino acid residues (2% of the protein; PVS1_moderate). They had absent platelet aggregation in response to ADP, epinephrine, and collagen but a normal response to ristocetin. Flow cytometry confirmed the absence of platelet GPIIb-IIIa complexes on the cell surface (PP4_Moderate). This variant was identified in the homozygous state (PMID 15293575; PM3_Supporting). A cDNA construct of the mutant GPIIb in which the 63-bp nucleotide sequence (nucleotides 2449-2511) was deleted was cotransfected into 293 T cells with normal GPIIIa cDNA. Flow cytometric analysis demonstrated no detectable amounts of GPIIb-IIIa complexes (analyzed by T10) or GPIIb (SZ22) on the cell surface, whereas normal expression was observed in the simultaneous experiment with the wildtype cDNA of GPIIb. RT-PCR analysis of these transfected cells demonstrated that both the transcript of the mutant GPIIb and that of the wild-type GPIIb were present within the cells, indicating comparable transfection efficiency (PS3). This variant is not reported in the gnomAD database v2.1.1 (PM2_Supporting). In summary, this variant meets the criteria to be classified as pathogenic for autosomal recessive Glanzmann Thrombasthenia based on the ACMG/AMP criteria applied, as specified by the ClinGen PD VCEP: PVS1_moderate, PS3, PP4_Moderate, PM2_supporting, PM3_supporting.